The following is an entry in ClinVar:

NM_032801.5(JAM3):c.697C>G (p.Gln233Glu)

Gene: JAM3 (junctional adhesion molecule 3; plus strand). Cytogenetic location: 11q25.
Variant type: single nucleotide variant.
Coding change: c.697C>G on transcript NM_032801.5 (MANE Select); coding-DNA position 697, C replaced by G.
Protein change: p.Gln233Glu; replaces glutamine 233 with glutamic acid.
Molecular consequence: missense variant.
Genome position (GRCh38, 1-based): chr11:134,146,030, C>G. VCF-style: chr11-134146030-C-G. GRCh37 (hg19) VCF-style: chr11-134015925-C-G.
Other names: c.544C>G, p.Gln182Glu (NM_001205329.2); short protein forms Q182E, Q233E.
Identifiers: ClinVar variation 2142957 (VCV002142957.2), dbSNP rs373764298, ClinGen allele CA6370142.

ClinVar aggregate classification (germline): Uncertain significance. Review status: criteria provided, multiple submitters, no conflicts (2 of 4 stars). 2 submissions from 2 submitters: Uncertain significance (2). Last evaluated 2022-04-07.

Conditions:
Inborn genetic diseases. Identifiers: MedGen C0950123, MeSH D030342.

Allele frequency attached by ClinVar (database versions not stated): ExAC 0.00005; gnomAD exomes 0.00005; ESP Exome Variant Server 0.00008; TOPMed 0.00017.
gnomAD v4.1: 96 of 1,612,500 alleles (0.006%); highest among the groups gnomAD compares: Admixed American, 0.037%; no homozygotes.

Submissions (2):

Labcorp Genetics (formerly Invitae), Labcorp
Classification: Uncertain significance. Last evaluated: 2022-04-07. Review status: criteria provided, single submitter. Criteria: Invitae Variant Classification Sherloc (09022015). Collection method: clinical testing. Allele origin: germline.
Comment: This sequence change replaces glutamine, which is neutral and polar, with glutamic acid, which is acidic and polar, at codon 233 of the JAM3 protein (p.Gln233Glu). This variant is present in population databases (rs373764298, gnomAD 0.04%). This variant has not been reported in the literature in individuals affected with JAM3-related conditions. Algorithms developed to predict the effect of missense changes on protein structure and function (SIFT, PolyPhen-2, Align-GVGD) all suggest that this variant is likely to be disruptive. In summary, the available evidence is currently insufficient to determine the role of this variant in disease. Therefore, it has been classified as a Variant of Uncertain Significance.

Ambry Genetics
Classification: Uncertain significance for Inborn genetic diseases. Last evaluated: 2021-05-14. Review status: criteria provided, single submitter. Criteria: Ambry Variant Classification Scheme 2023. Collection method: clinical testing. Allele origin: germline.